The following is an entry in ClinVar:

ClinVar aggregate classification (germline): Conflicting classifications of pathogenicity. Review status: criteria provided, conflicting classifications (1 of 4 stars). 6 submissions from 6 submitters: Uncertain significance (4); Likely benign (2). Last evaluated 2025-09-14.

Conditions:
Breast-ovarian cancer, familial, susceptibility to, 2 (BROVCA2). Also called: BRCA2 Hereditary Breast and Ovarian Cancer. Identifiers: Orphanet 145, MedGen C2675520, MONDO:0012933, OMIM 612555. Disease mechanism: loss of function.
Hereditary breast ovarian cancer syndrome. Also called: Hereditary breast and ovarian cancer syndrome; Hereditary breast and ovarian cancer syndrome (HBOC); BRCA1- and BRCA2-Associated Hereditary Breast and Ovarian Cancer; Hereditary breast and ovarian cancer; Breast and ovarian cancer; Hereditary breast and/or ovarian cancer syndrome. Identifiers: Orphanet 145, MedGen C0677776, MeSH D061325, MONDO:0003582. Disease mechanism: loss of function.
Hereditary cancer-predisposing syndrome. Also called: Neoplastic Syndromes, Hereditary; Hereditary neoplastic syndrome; Tumor predisposition; Hereditary Cancer Syndrome. Identifiers: Orphanet 140162, MedGen C0027672, MeSH D009386, MONDO:0015356.

Allele frequency attached by ClinVar (database versions not stated): TOPMed 0.00001.

Submissions (6):

Labcorp Genetics (formerly Invitae), Labcorp
Classification: Uncertain significance for Hereditary breast ovarian cancer syndrome. Last evaluated: 2025-09-14. Review status: criteria provided, single submitter. Criteria: Invitae Variant Classification Sherloc (09022015). Collection method: clinical testing. Allele origin: germline.
Comment: This sequence change replaces isoleucine, which is neutral and non-polar, with arginine, which is basic and polar, at codon 1485 of the BRCA2 protein (p.Ile1485Arg). This variant is not present in population databases (gnomAD no frequency). This variant has not been reported in the literature in individuals affected with BRCA2-related conditions. ClinVar contains an entry for this variant (Variation ID: 531298). Invitae Evidence Modeling of protein sequence and biophysical properties (such as structural, functional, and spatial information, amino acid conservation, physicochemical variation, residue mobility, and thermodynamic stability) indicates that this missense variant is not expected to disrupt BRCA2 protein function with a negative predictive value of 95%. In summary, the available evidence is currently insufficient to determine the role of this variant in disease. Therefore, it has been classified as a Variant of Uncertain Significance.

Ambry Genetics
Classification: Likely benign for Hereditary cancer-predisposing syndrome. Last evaluated: 2025-01-05. Review status: criteria provided, single submitter. Criteria: Ambry Variant Classification Scheme 2023. Collection method: clinical testing. Allele origin: germline.

University of Washington Department of Laboratory Medicine, University of Washington
Classification: Likely benign for Hereditary cancer-predisposing syndrome. Last evaluated: 2023-03-23. Review status: criteria provided, single submitter. Criteria: Dines et al. (Genet Med. 2020). Collection method: curation. Allele origin: germline.
Comment: Missense variant in a coldspot region where missense variants are very unlikely to be pathogenic (PMID:31911673).

BRCA2 exon 11 coldspot. Reclassification based on statistical prior probability.

GeneDx
Classification: Uncertain significance. Last evaluated: 2021-04-30. Review status: criteria provided, single submitter. Criteria: GeneDx Variant Classification Process June 2021. Collection method: clinical testing. Allele origin: germline. Affected: yes.
Comment: Not observed in large population cohorts (Lek et al., 2016); In silico analysis supports that this missense variant has a deleterious effect on protein structure/function; Has not been previously published as pathogenic or benign to our knowledge; Also known 4682T>G

Mendelics
Classification: Uncertain significance for Breast-ovarian cancer, familial, susceptibility to, 2. Last evaluated: 2019-05-28. Review status: criteria provided, single submitter. Criteria: Mendelics Assertion Criteria 2017. Collection method: clinical testing. Allele origin: unknown.

Quest Diagnostics Nichols Institute San Juan Capistrano
Classification: Uncertain significance. Last evaluated: 2019-02-09. Review status: criteria provided, single submitter. Criteria: Quest Diagnostics criteria. Collection method: clinical testing. Allele origin: germline.

NM_000059.4(BRCA2):c.4454T>G (p.Ile1485Arg)

Gene: BRCA2 (BRCA2 DNA repair associated; plus strand). Cytogenetic location: 13q13.1.
Variant type: single nucleotide variant.
Coding change: c.4454T>G on transcript NM_000059.4 (MANE Select); coding-DNA position 4454, T replaced by G.
Protein change: p.Ile1485Arg; replaces isoleucine 1485 with arginine.
Molecular consequence: missense variant.
Genome position (GRCh38, 1-based): chr13:32,338,809, T>G. VCF-style: chr13-32338809-T-G. GRCh37 (hg19) VCF-style: chr13-32912946-T-G.
Other names: short protein forms I1485R.
Identifiers: ClinVar variation 531298 (VCV000531298.19), dbSNP rs1555283790, ClinGen allele CA387781386.
Genomic context (GRCh38, chr13:32,338,809, plus strand): 5'-AATTACATTCTGACATAAGAAAGAACAAAATGGACATTCTAAGTTATGAGGAAACAGACA[T>G]AGTTAAACACAAAATACTGAAAGAAAGTGTCCCAGTTGGTACTGGAAATCAACTAGTGAC-3'
Protein context (NP_000050.3, residues 1475-1495): MDILSYEETD[Ile1485Arg]VKHKILKESV